The following is an entry in ClinVar:

ClinVar aggregate classification (germline): Uncertain significance. Review status: criteria provided, multiple submitters, no conflicts (2 of 4 stars). 2 submissions from 2 submitters: Uncertain significance (2). Last evaluated 2025-03-21.

Conditions:
Inborn genetic diseases. Identifiers: MedGen C0950123, MeSH D030342.
Congenital myasthenic syndrome 5. Identifiers: Orphanet 590, MedGen C1864233, MONDO:0011281, OMIM 603034.

Allele frequency attached by ClinVar (database versions not stated): gnomAD exomes 0.00001.

Submissions (2):

Ambry Genetics
Classification: Uncertain significance for Inborn genetic diseases. Last evaluated: 2025-03-21. Review status: criteria provided, single submitter. Criteria: Ambry Variant Classification Scheme 2023. Collection method: clinical testing. Allele origin: germline.

Labcorp Genetics (formerly Invitae), Labcorp
Classification: Uncertain significance for Congenital myasthenic syndrome 5. Last evaluated: 2022-01-14. Review status: criteria provided, single submitter. Criteria: Invitae Variant Classification Sherloc (09022015). Collection method: clinical testing. Allele origin: germline.
Comment: This sequence change replaces arginine, which is basic and polar, with cysteine, which is neutral and slightly polar, at codon 262 of the COLQ protein (p.Arg262Cys). This variant is present in population databases (no rsID available, gnomAD 0.007%). This variant has not been reported in the literature in individuals affected with COLQ-related conditions. ClinVar contains an entry for this variant (Variation ID: 653851). Algorithms developed to predict the effect of missense changes on protein structure and function are either unavailable or do not agree on the potential impact of this missense change (SIFT: "Deleterious"; PolyPhen-2: "Not Available"; Align-GVGD: "Class C0"). In summary, the available evidence is currently insufficient to determine the role of this variant in disease. Therefore, it has been classified as a Variant of Uncertain Significance.

NM_005677.4(COLQ):c.784C>T (p.Arg262Cys)

Gene: COLQ (collagen like tail subunit of asymmetric acetylcholinesterase; minus strand). Cytogenetic location: 3p25.1.
Variant type: single nucleotide variant.
Coding change: c.784C>T on transcript NM_005677.4 (MANE Select); coding-DNA position 784, C replaced by T.
Protein change: p.Arg262Cys; replaces arginine 262 with cysteine.
Molecular consequence: missense variant.
Genome position (GRCh38, 1-based): chr3:15,466,371, G>A on the plus strand (C>T on the coding strand, the complement: COLQ is on the minus strand). VCF-style: chr3-15466371-G-A. GRCh37 (hg19) VCF-style: chr3-15507878-G-A.
Other names: c.754C>T, p.Arg252Cys (NM_080538.2); c.682C>T, p.Arg228Cys (NM_080539.4); short protein forms R228C, R252C, R262C.
Identifiers: ClinVar variation 653851 (VCV000653851.5), dbSNP rs1318954229, ClinGen allele CA351597554.